The following is an entry in ClinVar:

NM_020822.3(KCNT1):c.3412C>A (p.Leu1138Ile)

Gene: KCNT1 (potassium sodium-activated channel subfamily T member 1; plus strand). Cytogenetic location: 9q34.3.
Variant type: single nucleotide variant.
Coding change: c.3412C>A on transcript NM_020822.3 (MANE Select); coding-DNA position 3412, C replaced by A.
Protein change: p.Leu1138Ile; replaces leucine 1138 with isoleucine.
Molecular consequence: missense variant.
Genome position (GRCh38, 1-based): chr9:135,786,431, C>A. VCF-style: chr9-135786431-C-A. GRCh37 (hg19) VCF-style: chr9-138678277-C-A.
Other names: c.3277C>A, p.Leu1093Ile (NM_001272003.2); short protein forms L1093I, L1138I.
Identifiers: ClinVar variation 2927702 (VCV002927702.3), dbSNP rs2491107551, ClinGen allele CA375492072.

ClinVar aggregate classification (germline): Uncertain significance (1 of 4 stars; one submission).

Conditions:
Autosomal dominant nocturnal frontal lobe epilepsy 5. Also called: KCNT1-Related Epilepsy; CILIARY DYSKINESIA, PRIMARY, 28, WITH SITUS INVERSUS; CILIARY DYSKINESIA, PRIMARY, 28, WITHOUT SITUS INVERSUS; Epilepsy, nocturnal frontal lobe, 5. Identifiers: Orphanet 98784, MedGen C3554306, MONDO:0014002, OMIM 615005.
Developmental and epileptic encephalopathy, 14 (DEE14). Also called: Early infantile epileptic encephalopathy 14. Identifiers: Orphanet 293181, MedGen C3554195, MONDO:0013989, OMIM 614959.

Submission:

Labcorp Genetics (formerly Invitae), Labcorp
Classification: Uncertain significance for Autosomal dominant nocturnal frontal lobe epilepsy 5; Developmental and epileptic encephalopathy, 14. Last evaluated: 2023-09-15. Review status: criteria provided, single submitter. Criteria: Invitae Variant Classification Sherloc (09022015). Collection method: clinical testing. Allele origin: germline.
Comment: In summary, the available evidence is currently insufficient to determine the role of this variant in disease. Therefore, it has been classified as a Variant of Uncertain Significance. Advanced modeling of protein sequence and biophysical properties (such as structural, functional, and spatial information, amino acid conservation, physicochemical variation, residue mobility, and thermodynamic stability) performed at Invitae indicates that this missense variant is not expected to disrupt KCNT1 protein function. This variant has not been reported in the literature in individuals affected with KCNT1-related conditions. This variant is not present in population databases (gnomAD no frequency). This sequence change replaces leucine, which is neutral and non-polar, with isoleucine, which is neutral and non-polar, at codon 1138 of the KCNT1 protein (p.Leu1138Ile).